The following is an entry in ClinVar:

NM_004815.4(ARHGAP29):c.2043A>G (p.Pro681=)

Gene: ARHGAP29 (Rho GTPase activating protein 29; minus strand). Cytogenetic location: 1p22.1.
Variant type: single nucleotide variant.
Coding change: c.2043A>G on transcript NM_004815.4 (MANE Select); coding-DNA position 2043, A replaced by G.
Protein change: p.Pro681=; no amino-acid change (proline 681 retained).
Molecular consequence: synonymous variant.
Genome position (GRCh38, 1-based): chr1:94,184,938, T>C on the plus strand (A>G on the coding strand, the complement: ARHGAP29 is on the minus strand). VCF-style: chr1-94184938-T-C. GRCh37 (hg19) VCF-style: chr1-94650494-T-C.
Other names: c.2043A>G, p.Pro681= (NM_001328664.2); c.1851A>G, p.Pro617= (NM_001328665.2, NM_001328667.2); c.2016A>G, p.Pro672= (NM_001328666.2).
Identifiers: ClinVar variation 3031254 (VCV003031254.2), dbSNP rs1451917679, ClinGen allele CA418827830.

ClinVar aggregate classification (germline): Likely benign (0 of 4 stars; one submission).

Conditions:
ARHGAP29-related disorder. Also called: ARHGAP29-related condition; ARHGAP29-Related Disorders.

Allele frequency attached by ClinVar (database versions not stated): gnomAD exomes below 0.00001; TOPMed 0.00001; gnomAD 0.00002.
gnomAD v4.1: 6 of 1,613,572 alleles (0.00037%); highest among the groups gnomAD compares: Non-Finnish European, 0.00051%; no homozygotes.

Submission:

PreventionGenetics, part of Exact Sciences
Classification: Likely benign for ARHGAP29-related condition. Last evaluated: 2021-01-05. Review status: no assertion criteria provided. Collection method: clinical testing. Allele origin: germline.
Comment: This variant is classified as likely benign based on ACMG/AMP sequence variant interpretation guidelines (Richards et al. 2015 PMID: 25741868, with internal and published modifications).